The following is an entry in ClinVar:

ClinVar aggregate classification (germline): Uncertain significance (0 of 4 stars; one submission).

Conditions:
NRAP-related disorder. Also called: NRAP-related condition.

gnomAD v4.1: 33 of 1,613,794 alleles (0.002%); highest among the groups gnomAD compares: African/African-American, 0.0067%; no homozygotes.

Submission:

PreventionGenetics, part of Exact Sciences
Classification: Uncertain significance for NRAP-related condition. Last evaluated: 2024-06-26. Review status: no assertion criteria provided. Collection method: clinical testing. Allele origin: germline.
Comment: The NRAP c.742G>A variant is predicted to result in the amino acid substitution p.Ala248Thr. To our knowledge, this variant has not been reported in the literature. This variant is reported in 0.0062% of alleles in individuals of African descent in gnomAD. At this time, the clinical significance of this variant is uncertain due to the absence of conclusive functional and genetic evidence.

NM_198060.4(NRAP):c.742G>A (p.Ala248Thr)

Gene: NRAP (nebulin related anchoring protein; minus strand). Cytogenetic location: 10q25.3.
Variant type: single nucleotide variant.
Coding change: c.742G>A on transcript NM_198060.4 (MANE Select); coding-DNA position 742, G replaced by A.
Protein change: p.Ala248Thr; replaces alanine 248 with threonine.
Molecular consequence: missense variant.
Genome position (GRCh38, 1-based): chr10:113,650,479, C>T on the plus strand (G>A on the coding strand, the complement: NRAP is on the minus strand). VCF-style: chr10-113650479-C-T. GRCh37 (hg19) VCF-style: chr10-115410238-C-T.
Other names: c.742G>A, p.Ala248Thr (NM_001261463.2, NM_001322945.2, NM_006175.5); short protein forms A248T.
Identifiers: ClinVar variation 3354308 (VCV003354308.1).